The following is an entry in ClinVar:

ClinVar aggregate classification (germline): Uncertain significance. Review status: criteria provided, multiple submitters, no conflicts (2 of 4 stars). 2 submissions from 2 submitters: Uncertain significance (2). Last evaluated 2025-11-30.

Conditions:
Ataxia-telangiectasia syndrome (AT). Also called: Cerebello-oculocutaneous telangiectasia; Immunodeficiency with ataxia telangiectasia; ATAXIA-TELANGIECTASIA, COMPLEMENTATION GROUP A; ATAXIA-TELANGIECTASIA, FRESNO VARIANT; Ataxia-telangiectasia, complementation group E; LOUIS-BAR SYNDROME. Identifiers: Orphanet 100, MedGen C0004135, MONDO:0008840, OMIM 208900.
Hereditary cancer-predisposing syndrome. Also called: Neoplastic Syndromes, Hereditary; Hereditary Cancer Syndrome; Tumor predisposition; Hereditary neoplastic syndrome. Identifiers: Orphanet 140162, MedGen C0027672, MeSH D009386, MONDO:0015356.

Submissions (2):

Labcorp Genetics (formerly Invitae), Labcorp
Classification: Uncertain significance for Ataxia-telangiectasia syndrome. Last evaluated: 2025-11-30. Review status: criteria provided, single submitter. Criteria: Invitae Variant Classification Sherloc (09022015). Collection method: clinical testing. Allele origin: germline.
Comment: This variant, c.3349_3384del, results in the deletion of 12 amino acid(s) of the ATM protein (p.Gln1117_Gln1128del), but otherwise preserves the integrity of the reading frame. This variant is not present in population databases (gnomAD no frequency). This variant has not been reported in the literature in individuals affected with ATM-related conditions. ClinVar contains an entry for this variant (Variation ID: 1511007). Experimental studies and prediction algorithms are not available or were not evaluated, and the functional significance of this variant is currently unknown. In summary, the available evidence is currently insufficient to determine the role of this variant in disease. Therefore, it has been classified as a Variant of Uncertain Significance.

Ambry Genetics
Classification: Uncertain significance for Hereditary cancer-predisposing syndrome. Last evaluated: 2024-07-19. Review status: criteria provided, single submitter. Criteria: Ambry Variant Classification Scheme 2023. Collection method: clinical testing. Allele origin: germline.
Comment: The c.3349_3384del36 variant (also known as p.Q1117_Q1128del) is located in coding exon 22 of the ATM gene. This variant results from an in-frame CAAACAGCTTTTGAAAATGCATACTTGAAAGCTCAG deletion at nucleotide positions 3349 to 3384. This results in the in-frame deletion of 12 amino acids at codons 1117 through 1128. This amino acid region is generally well conserved in available vertebrate species. In addition, this alteration is predicted to be deleterious by in silico analysis (Choi Y et al. PLoS ONE. 2012; 7(10):e46688). Based on the available evidence, the clinical significance of this variant remains unclear.

NM_000051.4(ATM):c.3349_3384del (p.Gln1117_Gln1128del)

Gene: ATM (ATM serine/threonine kinase; plus strand). Cytogenetic location: 11q22.3.
Variant type: Deletion.
Coding change: c.3349_3384del on transcript NM_000051.4 (MANE Select); coding-DNA positions 3349 to 3384, 36 bases deleted.
Protein change: p.Gln1117_Gln1128del.
Molecular consequence: inframe deletion.
Genome position (GRCh38, 1-based): chr11:108,279,555-108,279,590, 36 bases deleted; deleting any 36 consecutive bases within chr11:108,279,551-108,279,590 gives the same sequence; the c. name uses the placement nearest the transcript's 3' end. GRCh37 (hg19): chr11:108,150,282-108,150,317.
Other names: c.3349_3384del, p.Gln1117_Gln1128del (NM_001351834.2); c.3349_3384del36 (NM_000051.3).
Identifiers: ClinVar variation 1511007 (VCV001511007.9), dbSNP rs2135643982, ClinGen allele CA2573146423.